The following is an entry in ClinVar:

ClinVar aggregate classification (germline): Uncertain significance. Review status: criteria provided, multiple submitters, no conflicts (2 of 4 stars). 2 submissions from 2 submitters: Uncertain significance (2). Last evaluated 2025-08-25.

Conditions:
Glycogen storage disease IV, classic hepatic. Also called: GSD IV, CLASSIC HEPATIC. Identifiers: MedGen C1856301.
Glycogen storage disease, type IV (GSD4). Also called: BRANCHER DEFICIENCY; CIRRHOSIS, FAMILIAL, WITH DEPOSITION OF ABNORMAL GLYCOGEN; AMYLOPECTINOSIS; ANDERSEN DISEASE; Glycogen storage disease due to glycogen branching enzyme deficiency; GBE1 DEFICIENCY. Identifiers: Orphanet 367, MedGen C0017923, MONDO:0009292, OMIM 232500.
Inborn genetic diseases. Identifiers: MedGen C0950123, MeSH D030342.

Allele frequency attached by ClinVar (database versions not stated): gnomAD exomes below 0.00001.
gnomAD v4.1: 1 of 1,597,508 alleles (0.000063%); highest among the groups gnomAD compares: Admixed American, 0.0017%; no homozygotes.

Submissions (2):

Ambry Genetics
Classification: Uncertain significance for Inborn genetic diseases. Last evaluated: 2025-08-25. Review status: criteria provided, single submitter. Criteria: Ambry Variant Classification Scheme 2023. Collection method: clinical testing. Allele origin: germline.

Labcorp Genetics (formerly Invitae), Labcorp
Classification: Uncertain significance for Glycogen storage disease, type IV; Glycogen storage disease IV, classic hepatic. Last evaluated: 2022-04-01. Review status: criteria provided, single submitter. Criteria: Invitae Variant Classification Sherloc (09022015). Collection method: clinical testing. Allele origin: germline.
Comment: This sequence change replaces alanine, which is neutral and non-polar, with threonine, which is neutral and polar, at codon 95 of the GBE1 protein (p.Ala95Thr). This variant is not present in population databases (gnomAD no frequency). This variant has not been reported in the literature in individuals affected with GBE1-related conditions. Algorithms developed to predict the effect of missense changes on protein structure and function are either unavailable or do not agree on the potential impact of this missense change (SIFT: "Not Available"; PolyPhen-2: "Probably Damaging"; Align-GVGD: "Not Available"). In summary, the available evidence is currently insufficient to determine the role of this variant in disease. Therefore, it has been classified as a Variant of Uncertain Significance.

NM_000158.4(GBE1):c.283G>A (p.Ala95Thr)

Gene: GBE1 (1,4-alpha-glucan branching enzyme 1; minus strand). Cytogenetic location: 3p12.2.
Variant type: single nucleotide variant.
Coding change: c.283G>A on transcript NM_000158.4 (MANE Select); coding-DNA position 283, G replaced by A.
Protein change: p.Ala95Thr; replaces alanine 95 with threonine.
Molecular consequence: missense variant.
Genome position (GRCh38, 1-based): chr3:81,705,474, C>T on the plus strand (G>A on the coding strand, the complement: GBE1 is on the minus strand). VCF-style: chr3-81705474-C-T. GRCh37 (hg19) VCF-style: chr3-81754625-C-T.
Other names: c.283G>A (NM_000158.3); short protein forms A95T.
Identifiers: ClinVar variation 2164919 (VCV002164919.3), dbSNP rs2471917396, ClinGen allele CA353687662.